The following is an entry in ClinVar:

NM_006393.3(NEBL):c.311G>A (p.Arg104Gln)

Gene: NEBL (nebulette; minus strand). Cytogenetic location: 10p12.31.
Variant type: single nucleotide variant.
Coding change: c.311G>A on transcript NM_006393.3 (MANE Select); coding-DNA position 311, G replaced by A.
Protein change: p.Arg104Gln; replaces arginine 104 with glutamine.
Molecular consequence: missense variant. On other transcripts: intron variant (9).
Genome position (GRCh38, 1-based): chr10:20,888,155, C>T on the plus strand (G>A on the coding strand, the complement: NEBL is on the minus strand). VCF-style: chr10-20888155-C-T. GRCh37 (hg19) VCF-style: chr10-21177084-C-T.
Other names: c.249+73517G>A (NM_001377326.1, NM_001377327.1, NM_001377328.1); c.357+73517G>A (NM_213569.2, NM_001173484.2, NM_001377322.1); c.300+73517G>A (NM_001377324.1); c.291+73517G>A (NM_001377325.1); c.309+73517G>A (NM_001377323.1); short protein forms R104Q.
Identifiers: ClinVar variation 961243 (VCV000961243.11), dbSNP rs537661572, ClinGen allele CA5433288.

ClinVar aggregate classification (germline): Uncertain significance. Review status: criteria provided, single submitter (1 of 4 stars). 4 submissions from 4 submitters: Uncertain significance (1). 3 of the submissions do not count toward it. Last evaluated 2024-12-17.

Conditions:
Primary dilated cardiomyopathy (DCM). Also called: Dilated Cardiomyopathy. Identifiers: Orphanet 217604, MedGen C0007193, MeSH D002311, MONDO:0005021, HP:0001644. Inheritance: Various modes of inheritance.

Allele frequency attached by ClinVar (database versions not stated): gnomAD 0.00004; gnomAD exomes 0.00004 and 0.00008; TOPMed 0.00004; ExAC 0.00005.
gnomAD v4.1: 124 of 1,613,656 alleles (0.0077%); highest among the groups gnomAD compares: Non-Finnish European, 0.0098%; no homozygotes.

Submissions (4):

Labcorp Genetics (formerly Invitae), Labcorp
Classification: Uncertain significance for Primary dilated cardiomyopathy. Last evaluated: 2024-12-17. Review status: criteria provided, single submitter. Criteria: Invitae Variant Classification Sherloc (09022015). Collection method: clinical testing. Allele origin: germline.
Comment: This sequence change replaces arginine, which is basic and polar, with glutamine, which is neutral and polar, at codon 104 of the NEBL protein (p.Arg104Gln). This variant is present in population databases (rs537661572, gnomAD 0.008%). This variant has not been reported in the literature in individuals affected with NEBL-related conditions. ClinVar contains an entry for this variant (Variation ID: 961243). An algorithm developed to predict the effect of missense changes on protein structure and function outputs the following: PolyPhen-2: "Benign". The glutamine amino acid residue is found in multiple mammalian species, which suggests that this missense change does not adversely affect protein function. In summary, the available evidence is currently insufficient to determine the role of this variant in disease. Therefore, it has been classified as a Variant of Uncertain Significance.

Clinical Genetics DNA and cytogenetics Diagnostics Lab, Erasmus MC, Erasmus Medical Center
Classification: Likely benign. Review status: no assertion criteria provided. Collection method: clinical testing. Allele origin: germline. Affected: yes. Study: VKGL Data-share Consensus. Not counted in ClinVar's aggregate classification.

Genome Diagnostics Laboratory, University Medical Center Utrecht
Classification: Likely benign. Review status: no assertion criteria provided. Collection method: clinical testing. Allele origin: germline. Affected: yes. Study: VKGL Data-share Consensus. Not counted in ClinVar's aggregate classification.

Joint Genome Diagnostic Labs from Nijmegen and Maastricht, Radboudumc and MUMC+
Classification: Likely benign. Review status: no assertion criteria provided. Collection method: clinical testing. Allele origin: germline. Affected: yes. Study: VKGL Data-share Consensus. Not counted in ClinVar's aggregate classification.